The following is an entry in ClinVar:

NM_004304.5(ALK):c.2950T>C (p.Tyr984His)

Gene: ALK (ALK receptor tyrosine kinase; minus strand). Cytogenetic location: 2p23.2.
Variant type: single nucleotide variant.
Coding change: c.2950T>C on transcript NM_004304.5 (MANE Select); coding-DNA position 2950, T replaced by C.
Protein change: p.Tyr984His; replaces tyrosine 984 with histidine.
Molecular consequence: missense variant.
Genome position (GRCh38, 1-based): chr2:29,227,039, A>G on the plus strand (T>C on the coding strand, the complement: ALK is on the minus strand). VCF-style: chr2-29227039-A-G. GRCh37 (hg19) VCF-style: chr2-29449905-A-G.
Other names: short protein forms Y984H.
Identifiers: ClinVar variation 645449 (VCV000645449.11), dbSNP rs1573131855, ClinGen allele CA346467962.

ClinVar aggregate classification (germline): Uncertain significance. Review status: criteria provided, multiple submitters, no conflicts (2 of 4 stars). 2 submissions from 2 submitters: Uncertain significance (2). Last evaluated 2022-06-20.

Conditions:
Hereditary cancer-predisposing syndrome. Also called: Neoplastic Syndromes, Hereditary; Hereditary Cancer Syndrome; Hereditary neoplastic syndrome; Tumor predisposition. Identifiers: Orphanet 140162, MedGen C0027672, MeSH D009386, MONDO:0015356.
Neuroblastoma, susceptibility to, 3. Also called: ALK-Related Neuroblastic Tumor Susceptibility. Identifiers: Orphanet 635, MedGen C2751681, MONDO:0013083, OMIM 613014.

Submissions (2):

Ambry Genetics
Classification: Uncertain significance for Hereditary cancer-predisposing syndrome. Last evaluated: 2022-06-20. Review status: criteria provided, single submitter. Criteria: Ambry Variant Classification Scheme 2023. Collection method: clinical testing. Allele origin: germline.
Comment: The p.Y984H variant (also known as c.2950T>C), located in coding exon 18 of the ALK gene, results from a T to C substitution at nucleotide position 2950. The tyrosine at codon 984 is replaced by histidine, an amino acid with similar properties. This amino acid position is conserved. In addition, this alteration is predicted to be tolerated by in silico analysis. Since supporting evidence is limited at this time, the clinical significance of this alteration remains unclear.

Labcorp Genetics (formerly Invitae), Labcorp
Classification: Uncertain significance for Neuroblastoma, susceptibility to, 3. Last evaluated: 2018-11-05. Review status: criteria provided, single submitter. Criteria: Invitae Variant Classification Sherloc (09022015). Collection method: clinical testing. Allele origin: germline.
Comment: This sequence change replaces tyrosine with histidine at codon 984 of the ALK protein (p.Tyr984His). The tyrosine residue is highly conserved and there is a moderate physicochemical difference between tyrosine and histidine. This variant is not present in population databases (ExAC no frequency). This variant has not been reported in the literature in individuals with ALK-related disease. Algorithms developed to predict the effect of missense changes on protein structure and function (SIFT, PolyPhen-2, Align-GVGD) all suggest that this variant is likely to be tolerated, but these predictions have not been confirmed by published functional studies and their clinical significance is uncertain. In summary, the available evidence is currently insufficient to determine the role of this variant in disease. Therefore, it has been classified as a Variant of Uncertain Significance.